The following is an entry in ClinVar:

NM_002049.4(GATA1):c.821G>A (p.Ser274Asn)

Gene: GATA1 (GATA binding protein 1; plus strand). Cytogenetic location: Xp11.23.
Variant type: single nucleotide variant.
Coding change: c.821G>A on transcript NM_002049.4 (MANE Select); coding-DNA position 821, G replaced by A.
Protein change: p.Ser274Asn; replaces serine 274 with asparagine.
Molecular consequence: missense variant.
Genome position (GRCh38, 1-based): chrX:48,793,248, G>A. VCF-style: chrX-48793248-G-A. GRCh37 (hg19) VCF-style: chrX-48651655-G-A.
Other names: short protein forms S274N.
Identifiers: ClinVar variation 1044821 (VCV001044821.8), dbSNP rs374457234, ClinGen allele CA10404663.

ClinVar aggregate classification (germline): Uncertain significance. Review status: criteria provided, single submitter (1 of 4 stars). 2 submissions from 2 submitters: Uncertain significance (1). 1 of the submissions does not count toward it. Last evaluated 2023-12-12.

Conditions:
Diamond-Blackfan anemia. Also called: Blackfan Diamond syndrome; Aregenerative anemia chronic congenital; Red cell aplasia, pure hereditary; Congenital hypoplastic anemia; Aase syndrome. Identifiers: Orphanet 124, MedGen C1260899, MeSH D029503, MONDO:0015253, HP:0004810.
GATA binding protein 1 related thrombocytopenia with dyserythropoiesis. Also called: GATA1-Related X-Linked Cytopenia; GATA1-Related Cytopenia. Identifiers: MedGen C1845837, MONDO:0100089.

Allele frequency attached by ClinVar (database versions not stated): gnomAD exomes 0.00001; ExAC 0.00002; gnomAD 0.00002; TOPMed 0.00002; ESP Exome Variant Server 0.00009.
gnomAD v4.1: 11 of 1,207,046 alleles (0.00091%); highest among the groups gnomAD compares: Non-Finnish European, 0.00078%; no homozygotes.

Submissions (2):

Labcorp Genetics (formerly Invitae), Labcorp
Classification: Uncertain significance for GATA binding protein 1 related thrombocytopenia with dyserythropoiesis; Diamond-Blackfan anemia. Last evaluated: 2023-12-12. Review status: criteria provided, single submitter. Criteria: Invitae Variant Classification Sherloc (09022015). Collection method: clinical testing. Allele origin: germline.
Comment: This sequence change replaces serine, which is neutral and polar, with asparagine, which is neutral and polar, at codon 274 of the GATA1 protein (p.Ser274Asn). This variant is present in population databases (rs374457234, gnomAD 0.01%). This variant has not been reported in the literature in individuals affected with GATA1-related conditions. ClinVar contains an entry for this variant (Variation ID: 1044821). Advanced modeling of protein sequence and biophysical properties (such as structural, functional, and spatial information, amino acid conservation, physicochemical variation, residue mobility, and thermodynamic stability) performed at Invitae indicates that this missense variant is not expected to disrupt GATA1 protein function with a negative predictive value of 80%. In summary, the available evidence is currently insufficient to determine the role of this variant in disease. Therefore, it has been classified as a Variant of Uncertain Significance.

Department of Pathology and Laboratory Medicine, Sinai Health System
Classification: Uncertain significance. Review status: no assertion criteria provided. Collection method: clinical testing. Allele origin: unknown. Affected: yes. Study: The Canadian Open Genetics Repository (COGR). Not counted in ClinVar's aggregate classification.
Comment: The GATA1 p.Ser274Asn variant was not identified in the literature nor was it identified in ClinVar or LOVD 3.0. The variant was identified in dbSNP (ID: rs374457234) and in control databases in 1 of 183328 chromosomes at a frequency of 0.000005455 (Genome Aggregation Database March 6, 2019, v2.1.1). The variant was observed in the European (non-Finnish) population in 1 of 81916 chromosomes (freq: 0.000012), but was not observed in the African, Latino, Ashkenazi Jewish, East Asian, European (Finnish), Other, or South Asian populations. The p.Ser274 residue is conserved in mammals and computational analyses (PolyPhen-2, SIFT, AlignGVGD, BLOSUM, MutationTaster) provide inconsistent predictions regarding the impact to the protein; this information is not very predictive of pathogenicity. The variant occurs outside of the splicing consensus sequence and three of four in silico or computational prediction software programs (SpliceSiteFinder, MaxEntScan, NNSPLICE, GeneSplicer) do not predict a greater than 10% difference in splicing; this is not very predictive of pathogenicity. In summary, based on the above information the clinical significance of this variant cannot be determined with certainty at this time. This variant is classified as a variant of uncertain significance.